The following is an entry in ClinVar:

NM_001401501.2(MUC16):c.1404A>G (p.Glu468=)

Gene: MUC16 (mucin 16, cell surface associated; minus strand). Cytogenetic location: 19p13.2.
Variant type: single nucleotide variant.
Coding change: c.1404A>G on transcript NM_001401501.2 (MANE Select); coding-DNA position 1404, A replaced by G.
Protein change: p.Glu468=; no amino-acid change (glutamic acid 468 retained).
Molecular consequence: synonymous variant.
Genome position (GRCh38, 1-based): chr19:8,979,855, T>C on the plus strand (A>G on the coding strand, the complement: MUC16 is on the minus strand). VCF-style: chr19-8979855-T-C. GRCh37 (hg19) VCF-style: chr19-9090531-T-C.
Other names: c.1830A>G, p.Glu610= (NM_001414686.1); c.1284A>G, p.Glu428= (NM_001414687.1, NM_024690.2).
Identifiers: ClinVar variation 3055914 (VCV003055914.2), dbSNP rs12976721, ClinGen allele CA9173436.

ClinVar aggregate classification (germline): Benign (0 of 4 stars; one submission).

Conditions:
MUC16-related disorder. Also called: MUC16-related condition.

Allele frequency attached by ClinVar (database versions not stated): 1000 Genomes Project 0.21605; 1000 Genomes Project 30x 0.22096; ExAC 0.28400; TOPMed 0.28411; gnomAD 0.29033; ESP Exome Variant Server 0.30504; gnomAD exomes 0.30973.

Submission:

PreventionGenetics, part of Exact Sciences
Classification: Benign for MUC16-related condition. Last evaluated: 2019-10-21. Review status: no assertion criteria provided. Collection method: clinical testing. Allele origin: germline.
Comment: This variant is classified as benign based on ACMG/AMP sequence variant interpretation guidelines (Richards et al. 2015 PMID: 25741868, with internal and published modifications).